The following is an entry in ClinVar:

NM_153046.3(TDRD9):c.3604del (p.Ser1202fs)

Gene: TDRD9 (tudor domain containing 9; plus strand). Cytogenetic location: 14q32.33.
Variant type: Deletion.
Coding change: c.3604del on transcript NM_153046.3 (MANE Select); coding-DNA position 3604, one base deleted (T; older notation c.3604delT).
Protein change: p.Ser1202fs; shifts the reading frame from serine 1202.
Molecular consequence: frameshift variant.
Genome position (GRCh38, 1-based): chr14:104,034,054, T deleted; the last of 3 consecutive T bases (chr14:104,034,052-104,034,054); deleting any one gives the same sequence. VCF-style (leftmost placement, unchanged base first): chr14-104034051-CT-C. GRCh37 (hg19) VCF-style: chr14-104500388-CT-C.
Other names: short protein forms S1202fs.
Identifiers: ClinVar variation 2069250 (VCV002069250.1), dbSNP rs2511226343, ClinGen allele CA2580088525.

ClinVar aggregate classification (germline): Pathogenic (1 of 4 stars; one submission).

Submission:

Labcorp Genetics (formerly Invitae), Labcorp
Classification: Pathogenic. Last evaluated: 2022-07-05. Review status: criteria provided, single submitter. Criteria: Invitae Variant Classification Sherloc (09022015). Collection method: clinical testing. Allele origin: germline.
Comment: This sequence change creates a premature translational stop signal (p.Ser1202Profs*11) in the TDRD9 gene. It is expected to result in an absent or disrupted protein product. Loss-of-function variants in TDRD9 are known to be pathogenic (PMID: 20059948, 28536242). This variant is not present in population databases (gnomAD no frequency). This variant has not been reported in the literature in individuals affected with TDRD9-related conditions. For these reasons, this variant has been classified as Pathogenic.

Literature cited by the submitters: PubMed 20059948; PubMed 28536242.